The following is an entry in ClinVar:

NM_020937.4(FANCM):c.1581+3_1581+8del

Gene: FANCM (FA complementation group M; plus strand). Cytogenetic location: 14q21.2.
Variant type: Deletion.
Coding change: c.1581+3_1581+8del on transcript NM_020937.4 (MANE Select); bases 3 to 8 of the intron after coding-DNA position 1581, 6 bases deleted (AATTAT; older notation c.1581+3_1581+8delAATTAT).
Molecular consequence: splice donor variant.
Genome position (GRCh38, 1-based): chr14:45,159,283-45,159,288, AATTAT deleted; deleting any 6 consecutive bases within chr14:45,159,282-45,159,288 gives the same sequence; the c. name uses the placement nearest the transcript's 3' end. VCF-style (leftmost placement, unchanged base first): chr14-45159281-GTAATTA-G. GRCh37 (hg19) VCF-style: chr14-45628484-GTAATTA-G.
Other names: c.1503+3_1503+8del (NM_001308133.2); c.1581+3_1581+8del (NM_001308134.2).
Identifiers: ClinVar variation 3632947 (VCV003632947.2).
Genomic context (GRCh38, chr14:45,159,281, plus strand): 5'-TTTGTCGGCCATGCCTCAGGGAAAAGCACGAAGGGTTTTACCCAGAAGGAGCAACTGGAG[GTAATTA>G]TTTTTGGAATTGATAAAAATAAAAATAAGATTGATTAGCTTTGCACTTGTTCTTTTTTTG-3'

ClinVar aggregate classification (germline): Uncertain significance (1 of 4 stars; one submission).

Conditions:
Fanconi anemia (FA). Also called: Fanconi's anemia. Identifiers: Orphanet 84, MedGen C0015625, MeSH D005199, MONDO:0019391.

Submission:

Labcorp Genetics (formerly Invitae), Labcorp
Classification: Uncertain significance for Fanconi anemia. Last evaluated: 2025-02-18. Review status: criteria provided, single submitter. Criteria: Invitae Variant Classification Sherloc (09022015). Collection method: clinical testing. Allele origin: germline.
Comment: This sequence change falls in intron 9 of the FANCM gene. It does not directly change the encoded amino acid sequence of the FANCM protein. It affects a nucleotide within the consensus splice site. This variant is not present in population databases (gnomAD no frequency). This variant has not been reported in the literature in individuals affected with FANCM-related conditions. Variants that disrupt the consensus splice site are a relatively common cause of aberrant splicing (PMID: 17576681, 9536098). Algorithms developed to predict the effect of sequence changes on RNA splicing suggest that this variant may disrupt the consensus splice site. In summary, the available evidence is currently insufficient to determine the role of this variant in disease. Therefore, it has been classified as a Variant of Uncertain Significance.

Literature cited by the submitters: PubMed 17576681; PubMed 9536098.